The following is an entry in ClinVar:

NM_002480.3(PPP1R12A):c.2208_2222del (p.Asp736_Gln740del)

Gene: PPP1R12A (protein phosphatase 1 regulatory subunit 12A; minus strand). Cytogenetic location: 12q21.2.
Variant type: Deletion.
Coding change: c.2208_2222del on transcript NM_002480.3 (MANE Select); coding-DNA positions 2208 to 2222, 15 bases deleted (TAAAGAGAAACAAGA).
Protein change: p.Asp736_Gln740del.
Molecular consequence: inframe deletion.
Genome position (GRCh38, 1-based): chr12:79,797,265-79,797,279, TCTTGTTTCTCTTTA deleted on the plus strand (TAAAGAGAAACAAGA on the coding strand, the reverse complement: PPP1R12A is on the minus strand); deleting any 15 consecutive bases within chr12:79,797,265-79,797,293 gives the same sequence; the c. name uses the placement nearest the transcript's 3' end. VCF-style (leftmost placement, unchanged base first): chr12-79797264-TTCTTGTTTCTCTTTA-T. GRCh37 (hg19) VCF-style: chr12-80191044-TTCTTGTTTCTCTTTA-T.
Other names: c.2208_2222del, p.Asp736_Gln740del (NM_001143885.2, NM_001244990.2); c.1947_1961del, p.Asp649_Gln653del (NM_001143886.2); c.2040_2054del, p.Asp680_Gln684del (NM_001244992.1).
Identifiers: ClinVar variation 2081707 (VCV002081707.5), dbSNP rs757413852, ClinGen allele CA6699493.

ClinVar aggregate classification (germline): Conflicting classifications of pathogenicity. Review status: criteria provided, conflicting classifications (1 of 4 stars). 2 submissions from 2 submitters: Uncertain significance (1); Likely benign (1). Last evaluated 2025-02-16.

Submissions (2):

Laboratory of Genetics, Children's Clinical University Hospital Latvia
Classification: Likely benign. Last evaluated: 2025-02-16. Review status: criteria provided, single submitter. Criteria: ACMG Guidelines, 2015. Collection method: clinical testing. Allele origin: germline. Affected: yes.

Labcorp Genetics (formerly Invitae), Labcorp
Classification: Uncertain significance. Last evaluated: 2021-11-28. Review status: criteria provided, single submitter. Criteria: Invitae Variant Classification Sherloc (09022015). Collection method: clinical testing. Allele origin: germline.
Comment: In summary, the available evidence is currently insufficient to determine the role of this variant in disease. Therefore, it has been classified as a Variant of Uncertain Significance. Experimental studies and prediction algorithms are not available or were not evaluated, and the functional significance of this variant is currently unknown. This variant has not been reported in the literature in individuals affected with PPP1R12A-related conditions. The frequency data for this variant in the population databases is considered unreliable, as metrics indicate poor data quality at this position in the gnomAD database. This variant, c.2208_2222del, results in the deletion of 5 amino acid(s) of the PPP1R12A protein (p.Asp736_Gln740del), but otherwise preserves the integrity of the reading frame.